The following is an entry in ClinVar:

NM_005751.5(AKAP9):c.8581G>A (p.Val2861Ile)

Gene: AKAP9 (A-kinase anchoring protein 9; plus strand). Cytogenetic location: 7q21.2.
Variant type: single nucleotide variant.
Coding change: c.8581G>A on transcript NM_005751.5 (MANE Select); coding-DNA position 8581, G replaced by A.
Protein change: p.Val2861Ile; replaces valine 2861 with isoleucine.
Molecular consequence: missense variant.
Genome position (GRCh38, 1-based): chr7:92,083,590, G>A. VCF-style: chr7-92083590-G-A. GRCh37 (hg19) VCF-style: chr7-91712904-G-A.
Other names: c.3226G>A, p.Val1076Ile (NM_001379277.1); c.8557G>A, p.Val2853Ile (NM_147185.3); short protein forms V2853I, V2861I, V1076I.
Identifiers: ClinVar variation 2196077 (VCV002196077.4), dbSNP rs767439603, ClinGen allele CA4337501.
Genomic context (GRCh38, chr7:92,083,590, plus strand): 5'-GACATGGAATCCAGACATATTTCAGAAACTGAAACCTTAAAGAGGGAACACTATGTTGCC[G>A]TTCAGTTACTGAAAGAGGAATGTGGTACCTTGAAGGCAGTGATACAGTGTCTGAGAAGTA-3'
Protein context (NP_005742.4, residues 2851-2871): ETLKREHYVA[Val2861Ile]QLLKEECGTL

ClinVar aggregate classification (germline): Uncertain significance (1 of 4 stars; one submission).

Conditions:
Long QT syndrome (LQTS). Identifiers: MedGen C0023976, MeSH D008133, MONDO:0002442. Disease mechanism: loss of function. Inheritance: Various modes of inheritance.

Allele frequency attached by ClinVar (database versions not stated): ExAC 0.00001; gnomAD 0.00001; TOPMed 0.00001.
gnomAD v4.1: 26 of 1,602,752 alleles (0.0016%); highest among the groups gnomAD compares: Admixed American, 0.0052%; no homozygotes.

Submission:

Labcorp Genetics (formerly Invitae), Labcorp
Classification: Uncertain significance for Long QT syndrome. Last evaluated: 2025-03-17. Review status: criteria provided, single submitter. Criteria: Invitae Variant Classification Sherloc (09022015). Collection method: clinical testing. Allele origin: germline.
Comment: This sequence change replaces valine, which is neutral and non-polar, with isoleucine, which is neutral and non-polar, at codon 2861 of the AKAP9 protein (p.Val2861Ile). This variant is present in population databases (rs767439603, gnomAD 0.006%). This missense change has been observed in individual(s) with sudden unexplained death (PMID: 29247119). ClinVar contains an entry for this variant (Variation ID: 2196077). An algorithm developed to predict the effect of missense changes on protein structure and function outputs the following: PolyPhen-2: "Benign". The isoleucine amino acid residue is found in multiple mammalian species, which suggests that this missense change does not adversely affect protein function. In summary, the available evidence is currently insufficient to determine the role of this variant in disease. Therefore, it has been classified as a Variant of Uncertain Significance.

Literature cited by the submitters: PubMed 29247119.